The following is an entry in ClinVar:

ClinVar aggregate classification (germline): Uncertain significance (1 of 4 stars; one submission).

Conditions:
Mowat-Wilson syndrome (MOWS). Also called: Classic Mowat-Wilson Syndrome. Identifiers: Orphanet 2152, MedGen C1856113, MONDO:0009341, OMIM 235730.

Allele frequency attached by ClinVar (database versions not stated): ExAC 0.00001.

Submission:

Labcorp Genetics (formerly Invitae), Labcorp
Classification: Uncertain significance for Mowat-Wilson syndrome. Last evaluated: 2022-04-28. Review status: criteria provided, single submitter. Criteria: Invitae Variant Classification Sherloc (09022015). Collection method: clinical testing. Allele origin: germline.
Comment: This variant has not been reported in the literature in individuals affected with ZEB2-related conditions. This variant is not present in population databases (gnomAD no frequency). This sequence change replaces arginine, which is basic and polar, with cysteine, which is neutral and slightly polar, at codon 280 of the ZEB2 protein (p.Arg280Cys). In summary, the available evidence is currently insufficient to determine the role of this variant in disease. Therefore, it has been classified as a Variant of Uncertain Significance. Algorithms developed to predict the effect of missense changes on protein structure and function (SIFT, PolyPhen-2, Align-GVGD) all suggest that this variant is likely to be disruptive.

NM_014795.4(ZEB2):c.838C>T (p.Arg280Cys)

Gene: ZEB2 (zinc finger E-box binding homeobox 2; minus strand). Cytogenetic location: 2q22.3.
Variant type: single nucleotide variant.
Coding change: c.838C>T on transcript NM_014795.4 (MANE Select); coding-DNA position 838, C replaced by T.
Protein change: p.Arg280Cys; replaces arginine 280 with cysteine.
Molecular consequence: missense variant.
Genome position (GRCh38, 1-based): chr2:144,401,277, G>A on the plus strand (C>T on the coding strand, the complement: ZEB2 is on the minus strand). VCF-style: chr2-144401277-G-A. GRCh37 (hg19) VCF-style: chr2-145158844-G-A.
Other names: c.766C>T, p.Arg256Cys (NM_001171653.2); short protein forms R256C, R280C.
Identifiers: ClinVar variation 2131450 (VCV002131450.4), dbSNP rs773002262, ClinGen allele CA1898404.